The following is an entry in ClinVar:

NM_001723.7(DST):c.6868A>G (p.Arg2290Gly)

Gene: DST (dystonin; minus strand). Cytogenetic location: 6p12.1.
Variant type: single nucleotide variant.
Coding change: c.6868A>G on transcript NM_001723.7 (MANE Plus Clinical); coding-DNA position 6868, A replaced by G.
Protein change: p.Arg2290Gly; replaces arginine 2290 with glycine.
Molecular consequence: missense variant. On other transcripts: intron variant (10).
Genome position (GRCh38, 1-based): chr6:56,616,599, T>C on the plus strand (A>G on the coding strand, the complement: DST is on the minus strand). VCF-style: chr6-56616599-T-C. GRCh37 (hg19) VCF-style: chr6-56481397-T-C.
Other names: c.4831-2115A>G (NM_001144769.5); c.4930-2115A>G (NM_001374722.1, NM_001374736.1); c.4957-2115A>G (NM_001374734.1); c.4417-2115A>G (NM_001144770.2); c.4297-2115A>G (NM_001374730.1, NM_001386100.1, NM_183380.4 and 1 more transcripts); c.3319-2115A>G (NM_015548.5); short protein forms R2290G.
Identifiers: ClinVar variation 357553 (VCV000357553.46), dbSNP rs112473525, ClinGen allele CA3870078.

ClinVar aggregate classification (germline): Conflicting classifications of pathogenicity. Review status: criteria provided, conflicting classifications (1 of 4 stars). 4 submissions from 4 submitters: Uncertain significance (1); Likely benign (3). Last evaluated 2025-12-04.

Conditions:
Hereditary sensory and autonomic neuropathy type 6. Also called: Neuropathy, hereditary sensory and autonomic, type VI; HSAN VI. Identifiers: Orphanet 314381, MedGen C3539003, MONDO:0013839, OMIM 614653.
Epidermolysis bullosa simplex 3, localized or generalized intermediate, with BP230 deficiency (EBS3). Also called: Epidermolysis bullosa simplex due to BP230 deficiency; Epidermolysis bullosa simplex, autosomal recessive 2. Identifiers: Orphanet 412181, MedGen C3809470, MONDO:0014180, OMIM 615425.
DST-related disorder. Also called: DST-related condition; DST-related disorders.

Allele frequency attached by ClinVar (database versions not stated): TOPMed 0.00022; ESP Exome Variant Server 0.00038; gnomAD 0.00044 and 0.00047.
gnomAD v4.1: 817 of 1,614,038 alleles (0.051%); highest among the groups gnomAD compares: Non-Finnish European, 0.05%; no homozygotes.

Submissions (4):

Labcorp Genetics (formerly Invitae), Labcorp
Classification: Likely benign for Epidermolysis bullosa simplex 3, localized or generalized intermediate, with BP230 deficiency; Hereditary sensory and autonomic neuropathy type 6. Last evaluated: 2025-12-04. Review status: criteria provided, single submitter. Criteria: Invitae Variant Classification Sherloc (09022015). Collection method: clinical testing. Allele origin: germline.

GeneDx
Classification: Uncertain significance. Last evaluated: 2025-04-28. Review status: criteria provided, single submitter. Criteria: GeneDx Variant Classification Process June 2021. Collection method: clinical testing. Allele origin: germline. Affected: yes.
Comment: In silico analysis indicates that this missense variant does not alter protein structure/function; Has not been previously published as pathogenic or benign to our knowledge; Reported using the transcript encoding the epithelial isoform of the gene

PreventionGenetics, part of Exact Sciences
Classification: Likely benign for DST-related condition. Last evaluated: 2024-12-27. Review status: criteria provided, single submitter. Criteria: ACMG Guidelines, 2015. Collection method: clinical testing. Allele origin: germline.
Comment: This variant is classified as likely benign based on ACMG/AMP sequence variant interpretation guidelines (Richards et al. 2015 PMID: 25741868, with internal and published modifications).

CeGaT Center for Human Genetics Tuebingen
Classification: Likely benign. Last evaluated: 2023-08-01. Review status: criteria provided, single submitter. Criteria: CeGaT Center For Human Genetics Tuebingen Variant Classification Criteria Version 2. Collection method: clinical testing. Allele origin: germline. Affected: yes. Observed: 1 variant allele.
Comment: DST: BP4